The following is an entry in ClinVar:

NM_003922.4(HERC1):c.11800A>G (p.Ile3934Val)

Gene: HERC1 (HECT and RLD domain containing E3 ubiquitin protein ligase family member 1; minus strand). Cytogenetic location: 15q22.31.
Variant type: single nucleotide variant.
Coding change: c.11800A>G on transcript NM_003922.4 (MANE Select); coding-DNA position 11800, A replaced by G.
Protein change: p.Ile3934Val; replaces isoleucine 3934 with valine.
Molecular consequence: missense variant.
Genome position (GRCh38, 1-based): chr15:63,640,253, T>C on the plus strand (A>G on the coding strand, the complement: HERC1 is on the minus strand). VCF-style: chr15-63640253-T-C. GRCh37 (hg19) VCF-style: chr15-63932452-T-C.
Other names: short protein forms I3934V.
Identifiers: ClinVar variation 2042879 (VCV002042879.1), dbSNP rs372306188, ClinGen allele CA7604152.

ClinVar aggregate classification (germline): Uncertain significance (1 of 4 stars; one submission).

Allele frequency attached by ClinVar (database versions not stated): gnomAD 0.00005; TOPMed 0.00005; ESP Exome Variant Server 0.00008; gnomAD exomes 0.00012.
gnomAD v4.1: 188 of 1,613,850 alleles (0.012%); highest among the groups gnomAD compares: Non-Finnish European, 0.015%; no homozygotes.

Submission:

Labcorp Genetics (formerly Invitae), Labcorp
Classification: Uncertain significance. Last evaluated: 2022-08-22. Review status: criteria provided, single submitter. Criteria: Invitae Variant Classification Sherloc (09022015). Collection method: clinical testing. Allele origin: germline.
Comment: This sequence change replaces isoleucine, which is neutral and non-polar, with valine, which is neutral and non-polar, at codon 3934 of the HERC1 protein (p.Ile3934Val). This variant is present in population databases (rs372306188, gnomAD 0.009%). This variant has not been reported in the literature in individuals affected with HERC1-related conditions. Algorithms developed to predict the effect of missense changes on protein structure and function output the following: SIFT: "Tolerated"; PolyPhen-2: "Benign"; Align-GVGD: "Class C0". The valine amino acid residue is found in multiple mammalian species, which suggests that this missense change does not adversely affect protein function. In summary, the available evidence is currently insufficient to determine the role of this variant in disease. Therefore, it has been classified as a Variant of Uncertain Significance.